The following is an entry in ClinVar:

ClinVar aggregate classification (germline): Likely benign. Review status: criteria provided, multiple submitters, no conflicts (2 of 4 stars). 3 submissions from 3 submitters: Likely benign (3). Last evaluated 2026-06-01.

Allele frequency attached by ClinVar (database versions not stated): gnomAD 0.00003; gnomAD exomes 0.00005 and 0.00009; TOPMed 0.00005; ExAC 0.00006; 1000 Genomes Project 0.00020; 1000 Genomes Project 30x 0.00031.
gnomAD v4.1: 137 of 1,602,424 alleles (0.0085%); highest among the groups gnomAD compares: Non-Finnish European, 0.011%; no homozygotes.

Submissions (3):

CeGaT Center for Human Genetics Tuebingen
Classification: Likely benign. Last evaluated: 2026-06-01. Review status: criteria provided, single submitter. Criteria: CeGaT Center For Human Genetics Tuebingen Variant Classification Criteria Version 2. Collection method: clinical testing. Allele origin: germline. Affected: yes. Observed: 3 variant alleles.
Comment: PTPN23: BP4, BP7

Labcorp Genetics (formerly Invitae), Labcorp
Classification: Likely benign. Last evaluated: 2025-12-13. Review status: criteria provided, single submitter. Criteria: Invitae Variant Classification Sherloc (09022015). Collection method: clinical testing. Allele origin: germline.

Blueprint Genetics
Classification: Likely benign. Last evaluated: 2023-02-13. Review status: criteria provided, single submitter. Criteria: ACMG Guidelines, 2015. Collection method: clinical testing. Allele origin: germline.

NM_015466.4(PTPN23):c.3372G>A (p.Pro1124=)

Gene: PTPN23 (protein tyrosine phosphatase non-receptor type 23; plus strand). Cytogenetic location: 3p21.31.
Variant type: single nucleotide variant.
Coding change: c.3372G>A on transcript NM_015466.4 (MANE Select); coding-DNA position 3372, G replaced by A.
Protein change: p.Pro1124=; no amino-acid change (proline 1124 retained).
Molecular consequence: synonymous variant.
Genome position (GRCh38, 1-based): chr3:47,411,170, G>A. VCF-style: chr3-47411170-G-A. GRCh37 (hg19) VCF-style: chr3-47452660-G-A.
Other names: c.2994G>A, p.Pro998= (NM_001304482.2).
Identifiers: ClinVar variation 1517708 (VCV001517708.20), dbSNP rs201154882, ClinGen allele CA2366264.